The following is an entry in ClinVar:

ClinVar aggregate classification (germline): Uncertain significance (1 of 4 stars; one submission).

Conditions:
Brugada syndrome. Also called: Sudden Unexplained Death Syndrome; Sudden Unexplained Nocturnal Death Syndrome (SUNDS); Sudden unexpected nocturnal death syndrome; Sudden unexplained nocturnal death syndrome. Identifiers: Orphanet 130, MedGen C1142166, MONDO:0015263.

Allele frequency attached by ClinVar (database versions not stated): gnomAD exomes below 0.00001.
gnomAD v4.1: 1 of 1,613,672 alleles (0.000062%); highest among the groups gnomAD compares: Non-Finnish European, 0.000085%; no homozygotes.

Submission:

Labcorp Genetics (formerly Invitae), Labcorp
Classification: Uncertain significance for Brugada syndrome. Last evaluated: 2022-03-16. Review status: criteria provided, single submitter. Criteria: Invitae Variant Classification Sherloc (09022015). Collection method: clinical testing. Allele origin: germline.
Comment: In summary, the available evidence is currently insufficient to determine the role of this variant in disease. Therefore, it has been classified as a Variant of Uncertain Significance. Advanced modeling of protein sequence and biophysical properties (such as structural, functional, and spatial information, amino acid conservation, physicochemical variation, residue mobility, and thermodynamic stability) performed at Invitae indicates that this missense variant is not expected to disrupt SCN10A protein function. ClinVar contains an entry for this variant (Variation ID: 463252). This variant has not been reported in the literature in individuals affected with SCN10A-related conditions. This variant is not present in population databases (gnomAD no frequency). This sequence change replaces valine, which is neutral and non-polar, with methionine, which is neutral and non-polar, at codon 126 of the SCN10A protein (p.Val126Met).

NM_006514.4(SCN10A):c.376G>A (p.Val126Met)

Gene: SCN10A (sodium voltage-gated channel alpha subunit 10; minus strand). Cytogenetic location: 3p22.2.
Variant type: single nucleotide variant.
Coding change: c.376G>A on transcript NM_006514.4 (MANE Select); coding-DNA position 376, G replaced by A.
Protein change: p.Val126Met; replaces valine 126 with methionine.
Molecular consequence: missense variant.
Genome position (GRCh38, 1-based): chr3:38,792,063, C>T on the plus strand (G>A on the coding strand, the complement: SCN10A is on the minus strand). VCF-style: chr3-38792063-C-T. GRCh37 (hg19) VCF-style: chr3-38833554-C-T.
Other names: c.376G>A, p.Val126Met (NM_001293306.2, NM_001293307.2); short protein forms V126M.
Identifiers: ClinVar variation 463252 (VCV000463252.5), dbSNP rs1553625946, ClinGen allele CA352160702.